The following is an entry in ClinVar:

ClinVar aggregate classification (germline): Pathogenic. Review status: reviewed by expert panel (3 of 4 stars). 11 submissions from 11 submitters: Pathogenic (1). 10 of the submissions do not count toward it. Last evaluated 2022-04-13.

Conditions:
HNF1A-related disorders.
Monogenic diabetes. Identifiers: Orphanet 183625, MedGen C3888631, MONDO:0015967.
Maturity-onset diabetes of the young (MODY). Also called: Maturity onset diabetes mellitus in young. Identifiers: Orphanet 552, MedGen C0342276, MONDO:0018911, HP:0004904.
Maturity-onset diabetes of the young type 3. Also called: MODY, type III; MODY type 3. Identifiers: Orphanet 552, MedGen C1838100, MeSH C563933, MONDO:0010894, OMIM 600496. Disease mechanism: loss of function.

Allele frequency attached by ClinVar (database versions not stated): gnomAD exomes below 0.00001.
gnomAD v4.1: 2 of 1,613,580 alleles (0.00012%); highest among the groups gnomAD compares: East Asian, 0.0022%; no homozygotes.

Submissions 1 to 7 of 11:

ClinGen Monogenic Diabetes Variant Curation Expert Panel
Classification: Pathogenic for Monogenic diabetes. Last evaluated: 2022-04-13. Review status: reviewed by expert panel. Criteria: ClinGen Diabetes ACMG Specifications v1 1. Collection method: curation. Allele origin: germline. Inheritance: Autosomal dominant inheritance.
Comment: The c.779C>T variant in the HNF1 homeobox A gene, HNF1A, causes an amino acid change of threonine to methionine at codon 260 (p.(Thr260Met)) of NM_000545.8. This variant is located within a conserved region of the DNA binding domain (107-174 and 201-280) of HNF1A, which is defined as critical for the protein’s function by the ClinGen MDEP (PM1_Supporting). Additionally, variant is absent from gnomAD v2.1.1 (PM2_Supporting). This variant is predicted to be deleterious by computational evidence, with a REVEL score of 0.956, which is greater than the MDEP VCEP threshold of 0.70 (PP3). This variant was identified in at least 28 unrelated individuals with non- autoimmune and non-absolute/near-absolute insulin-deficient diabetes (PMIDs: 30760653, 29927023, 30663027, 29207974, 28105082, internal lab contributors). At least two of these individuals had a clinical history highly specific for HNF1A-MODY (MODY probability calculator result >50% and negative genetic testing for HNF4A, and both were antibody negative and one responded to low dose sulfonylureas) (PP4_Moderate; PMIDs: 30760653, 281505082). This variant segregated with diabetes, with 16 informative meioses in multiple families with MODY (PP1_Strong; PMIDs: 30760653. 28105082, internal lab contributors). A luciferase assay meeting the ClinGen MDEP quality control specifications demonstrated that the p.Thr260Met protein has transactivation activity below 40% of wildtype, indicating that this variant impacts protein function (PS3_Moderate; PMID: 32910913). In summary, c.779C>T meets the criteria to be classified as pathogenic for monogenic diabetes. ACMG/AMP criteria applied, as specified by the ClinGen MDEP (specification version 1.1, approved 9/30/2021): PM1_supporting, PM2_Supporting, PP3, PS4, PP4_Moderate, PP1_Strong, PS3_Moderate.

Dasa
Classification: Pathogenic. Last evaluated: 2025-11-25. Review status: criteria provided, single submitter. Criteria: DASA Assertion Criteria. Collection method: clinical testing. Allele origin: germline. Not counted in ClinVar's aggregate classification.
Comment: NM_000545.8(HNF1A):c.779C>T (p.Thr260Met) is a missense variant that results in the substitution of threonine with methionine. The affected residue or protein region has prior evidence supporting clinical relevance. Segregation evidence has been reported in affected families. Functional evidence supports a deleterious effect on the gene or gene product (PMID: 32910913; PMID: 30760653; PMID: 29927023; PMID: 30663027; PMID: 29207974). This variant has been recurrently observed in individuals with related phenotype (PMID: 32910913; PMID: 30760653; PMID: 29927023; PMID: 30663027; PMID: 29207974). Multiple computational predictions support a deleterious effect on the gene or gene product. The variant is present at low frequency in population datasets. Based on the available data, this variant is classified as pathogenic.

Labcorp Genetics (formerly Invitae), Labcorp
Classification: Pathogenic. Last evaluated: 2025-11-06. Review status: criteria provided, single submitter. Criteria: Invitae Variant Classification Sherloc (09022015). Collection method: clinical testing. Allele origin: germline. Not counted in ClinVar's aggregate classification.
Comment: This sequence change replaces threonine, which is neutral and polar, with methionine, which is neutral and non-polar, at codon 260 of the HNF1A protein (p.Thr260Met). The frequency data for this variant in the population databases is considered unreliable, as metrics indicate poor data quality at this position in the gnomAD database. This missense change has been observed in individuals with maturity-onset diabetes of the young (PMID: 9166684, 15928245, 23607861, 28105082, 30663027; internal data). It has also been observed to segregate with disease in related individuals. Invitae Evidence Modeling of clinical and family history, age, sex, and reported ancestry of multiple individuals with this HNF1A variant has been performed. This variant is expected to be pathogenic with a positive predictive value of at least 99%. This is a validated machine learning model that incorporates the clinical features of 42,750 individuals referred to our laboratory for HNF1A testing. ClinVar contains an entry for this variant (Variation ID: 265436). Invitae Evidence Modeling of protein sequence and biophysical properties (such as structural, functional, and spatial information, amino acid conservation, physicochemical variation, residue mobility, and thermodynamic stability) has been performed for this missense variant. However, the output from this modeling did not meet the statistical confidence thresholds required to predict the impact of this variant on HNF1A protein function. Experimental studies have shown that this missense change affects HNF1A function (PMID: 23607861). For these reasons, this variant has been classified as Pathogenic.

Blueprint Genetics
Classification: Pathogenic for HNF1A-related disorders. Last evaluated: 2023-09-05. Review status: criteria provided, single submitter. Criteria: ACMG Guidelines, 2015. Collection method: clinical testing. Allele origin: germline. Affected: yes. Observed: 3 variant alleles. Not counted in ClinVar's aggregate classification.

Women's Health and Genetics/Laboratory Corporation of America, LabCorp
Classification: Pathogenic for Maturity-onset diabetes of the young. Last evaluated: 2023-08-08. Review status: criteria provided, single submitter. Criteria: LabCorp Variant Classification Summary - May 2015. Collection method: clinical testing. Allele origin: germline. Not counted in ClinVar's aggregate classification.
Comment: Variant summary: HNF1A c.779C>T (p.Thr260Met) results in a non-conservative amino acid change located in the Homeobox domain (IPR001356) of the encoded protein sequence. Five of five in-silico tools predict a damaging effect of the variant on protein function. The variant allele was found at a frequency of 4e-06 in 249268 control chromosomes. c.779C>T has been reported in the literature as co-segregating with disease in multiple individuals affected with Maturity Onset Diabetes Of The Young 3 (example, Lehto_1997). These data indicate that the variant is very likely to be associated with disease. At least one publication reports experimental evidence evaluating an impact on protein function (Ekholm_2013). The most pronounced variant effect results in an abolished activation of the cytochrome P450 7A1 (CYP7A1), Farnesoid X receptor (FXR), Small heterodimeric partner (SHP) and Apical sodium-dependent bile salt transporter (ASBT) promoters in-vitro. Six submitters including the ClinGen Monogenic Diabetes Variant Curation Expert Panel have cited clinical-significance assessments for this variant to ClinVar after 2014. The following publications have been ascertained in the context of this evaluation (PMID: 11942313, 9166684, 10333057, 16496320, 12453420, 17924661, 9045858, 23607861). All submitters classified the variant as pathogenic/likely pathogenic. Based on the evidence outlined above, the variant was classified as pathogenic.

GeneDx
Classification: Pathogenic. Last evaluated: 2022-12-09. Review status: criteria provided, single submitter. Criteria: GeneDx Variant Classification Process June 2021. Collection method: clinical testing. Allele origin: germline. Affected: yes. Not counted in ClinVar's aggregate classification.
Comment: Published functional studies demonstrate that T260M significantly inhibits the normal regulatory effects of HNF1A, and causes increased bile acid synthesis (Ekholm et al., 2013); In silico analysis, which includes protein predictors and evolutionary conservation, supports a deleterious effect; This variant is associated with the following publications: (PMID: 22060211, 21224407, 20132997, 18003757, 21170474, 16496320, 30851333, 30663027, 23607861, 9045858, 11058894, 28105082, 9166684, 20393147, 29207974, 28701371, 19754856, 15928245, 12453420, 30760653)

Genetic Services Laboratory, University of Chicago
Classification: Likely pathogenic. Last evaluated: 2021-12-01. Review status: criteria provided, single submitter. Criteria: ACMG Guidelines, 2015. Collection method: clinical testing. Allele origin: germline. Affected: yes. Not counted in ClinVar's aggregate classification.
Comment: DNA sequence analysis of the HNF1A gene demonstrated a sequence change, c.779C>T, in exon 4 that results in an amino acid change, p.Thr260Met. This sequence change has been described in gnomAD in one individual in the East Asian subpopulation (dbSNP rs886039544). The p.Thr260Met change affects a highly conserved amino acid residue located in a domain of the HNF1A protein that is known to be functional. The p.Thr260Met substitution appears to be deleterious using several in-silico pathogenicity prediction tools (SIFT, PolyPhen2, Align GVGD, REVEL). This sequence change has been reported in multiple individual with MODY (PMID: 9166684, 23607861, 28105082, 15928245, 18003757, 30455330, 9045858). Experimental studies have demonstrated that this sequence change impacts the function of the HNF1A protein (PMID: 30507613, 23607861, 30455330).

NM_000545.8(HNF1A):c.779C>T (p.Thr260Met)

Gene: HNF1A (HNF1 homeobox A; plus strand). Cytogenetic location: 12q24.31.
Variant type: single nucleotide variant.
Coding change: c.779C>T on transcript NM_000545.8 (MANE Select); coding-DNA position 779, C replaced by T.
Protein change: p.Thr260Met; replaces threonine 260 with methionine.
Molecular consequence: missense variant.
Genome position (GRCh38, 1-based): chr12:120,994,229, C>T. VCF-style: chr12-120994229-C-T. GRCh37 (hg19) VCF-style: chr12-121432032-C-T.
Other names: c.779C>T, p.Thr260Met (NM_001306179.2); c.779C>T (NM_000545.6); short protein forms T260M.
Identifiers: ClinVar variation 265436 (VCV000265436.24), dbSNP rs886039544, ClinGen allele CA10588543.
Genomic context (GRCh38, chr12:120,994,229, plus strand): 5'-AATGCATCCAGAGAGGGGTGTCCCCATCACAGGCACAGGGGCTGGGCTCCAACCTCGTCA[C>T]GGAGGTGCGTGTCTACAACTGGTTTGCCAACCGGCGCAAAGAAGAAGCCTTCCGGCACAA-3'
Protein context (NP_000536.6, residues 250-270): QAQGLGSNLV[Thr260Met]EVRVYNWFAN